The following is an entry in ClinVar:

ClinVar aggregate classification (germline): Uncertain significance (1 of 4 stars; one submission).

gnomAD v4.1: 1 of 1,613,928 alleles (0.000062%); no homozygotes.

Submission:

Women's Health and Genetics/Laboratory Corporation of America, LabCorp
Classification: Uncertain significance. Last evaluated: 2023-12-08. Review status: criteria provided, single submitter. Criteria: LabCorp Variant Classification Summary - May 2015. Collection method: clinical testing. Allele origin: germline.
Comment: Variant summary: CDC42BPB c.1539C>G (p.Asp513Glu) results in a conservative amino acid change in the encoded protein sequence. Four of five in-silico tools predict a benign effect of the variant on protein function. The variant was absent in 250966 control chromosomes. The available data on variant occurrences in the general population are insufficient to allow any conclusion about variant significance. To our knowledge, no occurrence of c.1539C>G in individuals affected with Chilton-Okur Neurodevelopmental Syndrome and no experimental evidence demonstrating its impact on protein function have been reported. No submitters have cited clinical-significance assessments for this variant to ClinVar after 2014. Based on the evidence outlined above, the variant was classified as uncertain significance.

NM_006035.4(CDC42BPB):c.1539C>G (p.Asp513Glu)

Gene: CDC42BPB (CDC42 binding protein kinase beta; minus strand). Cytogenetic location: 14q32.32.
Variant type: single nucleotide variant.
Coding change: c.1539C>G on transcript NM_006035.4 (MANE Select); coding-DNA position 1539, C replaced by G.
Protein change: p.Asp513Glu; replaces aspartic acid 513 with glutamic acid.
Molecular consequence: missense variant.
Genome position (GRCh38, 1-based): chr14:102,974,118, G>C on the plus strand (C>G on the coding strand, the complement: CDC42BPB is on the minus strand). VCF-style: chr14-102974118-G-C. GRCh37 (hg19) VCF-style: chr14-103440455-G-C.
Other names: c.1539C>G, p.Asp513Glu (NM_001411054.1); short protein forms D513E.
Identifiers: ClinVar variation 2691550 (VCV002691550.1), dbSNP rs2542884678, ClinGen allele CA391089120.